The following is an entry in ClinVar:

NM_000433.4(NCF2):c.1492_1496dup (p.Cys499fs)

Gene: NCF2 (neutrophil cytosolic factor 2; minus strand). Cytogenetic location: 1q25.3.
Variant type: Duplication.
Coding change: c.1492_1496dup on transcript NM_000433.4 (MANE Select); coding-DNA positions 1492 to 1496, 5 bases duplicated (GAGTG; older notation c.1492_1496dupGAGTG).
Protein change: p.Cys499fs; shifts the reading frame from cysteine 499.
Molecular consequence: frameshift variant.
Genome position (GRCh38, 1-based): chr1:183,556,203-183,556,207, CACTC duplicated on the plus strand (GAGTG on the coding strand, the reverse complement: NCF2 is on the minus strand); duplicating any 5 consecutive bases within chr1:183,556,203-183,556,208 gives the same sequence; the c. name uses the placement nearest the transcript's 3' end. VCF-style (leftmost placement, unchanged base first): chr1-183556202-G-GCACTC. GRCh37 (hg19) VCF-style: chr1-183525337-G-GCACTC.
Other names: c.1492_1496dup, p.Cys499fs (NM_001127651.3); c.1249_1253dup, p.Cys418fs (NM_001190789.2); c.1357_1361dup, p.Cys454fs (NM_001190794.2); short protein forms C499fs, C418fs, C454fs.
Identifiers: ClinVar variation 933838 (VCV000933838.8), dbSNP rs1671770625, ClinGen allele CA1009936604.

ClinVar aggregate classification (germline): Uncertain significance (1 of 4 stars; one submission).

Conditions:
Granulomatous disease, chronic, autosomal recessive, cytochrome b-positive, type 2. Also called: GRANULOMATOUS DISEASE, CHRONIC, DUE TO NCF2 DEFICIENCY; Chronic granulomatous disease due to deficiency of NCF-2; CGD, AUTOSOMAL RECESSIVE CYTOCHROME b-POSITIVE, TYPE II; Chronic Granulomatous Disease, Autosomal Recessive, Cytochrome b-Positive, Type II; GRANULOMATOUS DISEASE, CHRONIC, AUTOSOMAL RECESSIVE, 2. Identifiers: Orphanet 379, MedGen C1856245, MONDO:0009310, OMIM 233710.

Submission:

Labcorp Genetics (formerly Invitae), Labcorp
Classification: Uncertain significance for Granulomatous disease, chronic, autosomal recessive, cytochrome b-positive, type 2. Last evaluated: 2019-07-12. Review status: criteria provided, single submitter. Criteria: Invitae Variant Classification Sherloc (09022015). Collection method: clinical testing. Allele origin: germline.
Comment: This sequence change results in a frameshift in the NCF2 gene (p.Cys499Trpfs*39). While this is not anticipated to result in nonsense mediated decay, it is expected to disrupt the last 28 amino acids of the NCF2 protein and extend the protein by an additional 11 amino acids. This variant is not present in population databases (ExAC no frequency). This variant has not been reported in the literature in individuals with NCF2-related conditions. In summary, the available evidence is currently insufficient to determine the role of this variant in disease. Therefore, it has been classified as a Variant of Uncertain Significance. Experimental studies and prediction algorithms are not available or were not evaluated for this variant, and the functional significance of the affected amino acid(s) is currently unknown.